The following is an entry in ClinVar:

ClinVar aggregate classification (germline): Uncertain significance (1 of 4 stars; one submission).

Allele frequency attached by ClinVar (database versions not stated): gnomAD 0.00001; TOPMed 0.00003; ExAC 0.00004; 1000 Genomes Project 30x 0.00016; 1000 Genomes Project 0.00020.
gnomAD v4.1: 13 of 1,614,180 alleles (0.00081%); highest among the groups gnomAD compares: Admixed American, 0.013%; no homozygotes.

Submission:

Labcorp Genetics (formerly Invitae), Labcorp
Classification: Uncertain significance. Last evaluated: 2023-10-29. Review status: criteria provided, single submitter. Criteria: Invitae Variant Classification Sherloc (09022015). Collection method: clinical testing. Allele origin: germline.
Comment: This sequence change replaces threonine, which is neutral and polar, with isoleucine, which is neutral and non-polar, at codon 1637 of the SRCAP protein (p.Thr1637Ile). This variant is present in population databases (rs531077790, gnomAD 0.02%). This variant has not been reported in the literature in individuals affected with SRCAP-related conditions. ClinVar contains an entry for this variant (Variation ID: 2190441). Advanced modeling of protein sequence and biophysical properties (such as structural, functional, and spatial information, amino acid conservation, physicochemical variation, residue mobility, and thermodynamic stability) performed at Invitae indicates that this missense variant is not expected to disrupt SRCAP protein function with a negative predictive value of 80%. In summary, the available evidence is currently insufficient to determine the role of this variant in disease. Therefore, it has been classified as a Variant of Uncertain Significance.

NM_006662.3(SRCAP):c.4910C>T (p.Thr1637Ile)

Gene: SRCAP (Snf2 related CREBBP activator protein; plus strand). Cytogenetic location: 16p11.2.
Variant type: single nucleotide variant.
Coding change: c.4910C>T on transcript NM_006662.3 (MANE Select); coding-DNA position 4910, C replaced by T.
Protein change: p.Thr1637Ile; replaces threonine 1637 with isoleucine.
Molecular consequence: missense variant.
Genome position (GRCh38, 1-based): chr16:30,724,334, C>T. VCF-style: chr16-30724334-C-T. GRCh37 (hg19) VCF-style: chr16-30735655-C-T.
Other names: short protein forms T1637I.
Identifiers: ClinVar variation 2190441 (VCV002190441.4), dbSNP rs531077790, ClinGen allele CA8011857.